The following is an entry in ClinVar:

ClinVar aggregate classification (germline): Uncertain significance (1 of 4 stars; one submission).

Submission:

CeGaT Center for Human Genetics Tuebingen
Classification: Uncertain significance. Last evaluated: 2026-01-01. Review status: criteria provided, single submitter. Criteria: CeGaT Center For Human Genetics Tuebingen Variant Classification Criteria Version 2. Collection method: clinical testing. Allele origin: germline. Affected: yes. Observed: 1 variant allele.
Comment: RFX7: PM2, PP3

NM_022841.7(RFX7):c.518+24A>G

Gene: RFX7 (regulatory factor X7; minus strand). Cytogenetic location: 15q21.3.
Variant type: single nucleotide variant.
Coding change: c.518+24A>G on transcript NM_022841.7 (MANE Select); 24 bases into the intron after coding-DNA position 518, A replaced by G.
Molecular consequence: intron variant.
Genome position (GRCh38, 1-based): chr15:56,103,530, T>C on the plus strand (A>G on the coding strand, the complement: RFX7 is on the minus strand). VCF-style: chr15-56103530-T-C. GRCh37 (hg19) VCF-style: chr15-56395728-T-C.
Other names: c.518+24A>G (NM_001370561.1); c.227+24A>G (NM_001368073.2, NM_001370554.1, NM_001368074.1).
Identifiers: ClinVar variation 4822939 (VCV004822939.4).
Genomic context (GRCh38, chr15:56,103,530, plus strand): 5'-GTTGCCAGTTGAACTACAACAATAGATGTTCTATAACAAGTGAGAACACAGAGATATTAC[T>C]AACACCATTCTGGTAAAGGATATTTAGATTTGCCTCTTGTGCCCAAACGACGTGCCTTCA-3'